The following is an entry in ClinVar:

NM_130837.3(OPA1):c.738G>A (p.Ala246=)

Genes: OPA1 (OPA1 mitochondrial dynamin like GTPase; plus strand), OPA1-AS1 (OPA1 antisense RNA 1; minus strand). Cytogenetic location: 3q29.
Variant type: single nucleotide variant.
Coding change: c.738G>A on transcript NM_130837.3 (MANE Select); coding-DNA position 738, G replaced by A.
Protein change: p.Ala246=; no amino-acid change (alanine 246 retained).
Molecular consequence: synonymous variant. On other transcripts: intron variant (5).
Genome position (GRCh38, 1-based): chr3:193,626,151, G>A. VCF-style: chr3-193626151-G-A. GRCh37 (hg19) VCF-style: chr3-193343940-G-A.
Other names: c.204G>A, p.Ala68= (NM_001354663.2); c.576G>A, p.Ala192= (NM_130833.3); c.630G>A, p.Ala210= (NM_130835.3); c.684G>A, p.Ala228= (NM_130836.3); c.253-5461G>A (NM_001354664.2); c.679-5461G>A (NM_130834.3); c.625-5461G>A (NM_015560.3); c.571-5461G>A (NM_130832.3); and 2 more.
Identifiers: ClinVar variation 1575534 (VCV001575534.10), dbSNP rs775388791, ClinGen allele CA2759129.

ClinVar aggregate classification (germline): Likely benign. Review status: criteria provided, multiple submitters, no conflicts (2 of 4 stars). 3 submissions from 3 submitters: Likely benign (3). Last evaluated 2025-12-18.

Conditions:
OPA1-related disorder. Also called: OPA1-related condition; OPA1-related disorders.

Allele frequency attached by ClinVar (database versions not stated): gnomAD 0.00001; TOPMed 0.00001; ExAC 0.00002; gnomAD exomes 0.00002 and 0.00003.

Submissions (3):

PreventionGenetics, part of Exact Sciences
Classification: Likely benign for OPA1-related condition. Last evaluated: 2025-12-18. Review status: criteria provided, single submitter. Criteria: ACMG Guidelines, 2015. Collection method: clinical testing. Allele origin: germline.
Comment: This variant is classified as likely benign based on ACMG/AMP sequence variant interpretation guidelines (Richards et al. 2015 PMID: 25741868, with internal and published modifications).

Blueprint Genetics
Classification: Likely benign. Last evaluated: 2023-12-19. Review status: criteria provided, single submitter. Criteria: ACMG Guidelines, 2015. Collection method: clinical testing. Allele origin: germline.

Labcorp Genetics (formerly Invitae), Labcorp
Classification: Likely benign. Last evaluated: 2023-09-01. Review status: criteria provided, single submitter. Criteria: Invitae Variant Classification Sherloc (09022015). Collection method: clinical testing. Allele origin: germline.